The following is an entry in ClinVar:

ClinVar aggregate classification (germline): Conflicting classifications of pathogenicity. Review status: criteria provided, conflicting classifications (1 of 4 stars). 2 submissions from 2 submitters: Uncertain significance (1); Likely benign (1). Last evaluated 2024-07-23.

Submissions (2):

Labcorp Genetics (formerly Invitae), Labcorp
Classification: Uncertain significance. Last evaluated: 2024-07-23. Review status: criteria provided, single submitter. Criteria: Invitae Variant Classification Sherloc (09022015). Collection method: clinical testing. Allele origin: germline.
Comment: This sequence change replaces valine, which is neutral and non-polar, with alanine, which is neutral and non-polar, at codon 261 of the ADNP protein (p.Val261Ala). This variant is not present in population databases (gnomAD no frequency). This variant has not been reported in the literature in individuals affected with ADNP-related conditions. ClinVar contains an entry for this variant (Variation ID: 1337659). An algorithm developed to predict the effect of missense changes on protein structure and function (PolyPhen-2) suggests that this variant is likely to be disruptive. In summary, the available evidence is currently insufficient to determine the role of this variant in disease. Therefore, it has been classified as a Variant of Uncertain Significance.

Genetic Services Laboratory, University of Chicago
Classification: Likely benign. Last evaluated: 2020-08-18. Review status: criteria provided, single submitter. Criteria: ACMG Guidelines, 2015. Collection method: clinical testing. Allele origin: germline. Affected: no.

NM_001282531.3(ADNP):c.782T>C (p.Val261Ala)

Gene: ADNP (activity dependent neuroprotector homeobox; minus strand). Cytogenetic location: 20q13.13.
Variant type: single nucleotide variant.
Coding change: c.782T>C on transcript NM_001282531.3 (MANE Select); coding-DNA position 782, T replaced by C.
Protein change: p.Val261Ala; replaces valine 261 with alanine.
Molecular consequence: missense variant.
Genome position (GRCh38, 1-based): chr20:50,893,932, A>G on the plus strand (T>C on the coding strand, the complement: ADNP is on the minus strand). VCF-style: chr20-50893932-A-G. GRCh37 (hg19) VCF-style: chr20-49510469-A-G.
Other names: c.782T>C, p.Val261Ala (NM_001282532.2, NM_001347511.2, NM_015339.5 and 1 more transcripts); short protein forms V261A.
Identifiers: ClinVar variation 1337659 (VCV001337659.6), dbSNP rs2122760486, ClinGen allele CA408975909.
Genomic context (GRCh38, chr20:50,893,932, plus strand): 5'-ATGCTCTTCTTGTCTTGAGGTTTGGGAGCAATTAGCATCAAGGGTTTGGATCGGGGAACC[A>G]CTACATTTGTGTGCCCAATCATGGCAGTGACCTGATAGCCTATACGTTCATGGTCTTCGA-3'
Protein context (NP_001269460.1, residues 251-271): VTAMIGHTNV[Val261Ala]VPRSKPLMLI